The following is an entry in ClinVar:

NM_000455.5(STK11):c.393C>G (p.Tyr131Ter)

Gene: STK11 (serine/threonine kinase 11; plus strand). Cytogenetic location: 19p13.3.
Variant type: single nucleotide variant.
Coding change: c.393C>G on transcript NM_000455.5 (MANE Select); coding-DNA position 393, C replaced by G.
Protein change: p.Tyr131Ter; replaces tyrosine 131 with a stop codon.
Molecular consequence: nonsense.
Genome position (GRCh38, 1-based): chr19:1,219,342, C>G. VCF-style: chr19-1219342-C-G. GRCh37 (hg19) VCF-style: chr19-1219341-C-G.
Other names: short protein forms Y131*.
Identifiers: ClinVar variation 489222 (VCV000489222.2), dbSNP rs760399253, ClinGen allele CA402948150.

ClinVar aggregate classification (germline): Pathogenic (1 of 4 stars; one submission).

Submission:

GeneDx
Classification: Pathogenic. Last evaluated: 2018-09-21. Review status: criteria provided, single submitter. Criteria: GeneDx Variant Classification (06012015). Collection method: clinical testing. Allele origin: germline. Affected: yes.
Comment: The Y131X mosaic variant in the STK11 gene has not, to our knowledge, been reported in the literature. This substitution creates a nonsense variant, which changes a Tyrosine to a premature stop codon (TAC>TAG), and is predicted to cause loss of normal protein function through protein truncation. The Y131X variant is not observed in large population cohorts (Lek et al., 2016). Based on currently available evidence, we consider Y131X to be pathogenic.